The following is an entry in ClinVar:

NM_020937.4(FANCM):c.4784C>G (p.Pro1595Arg)

Gene: FANCM (FA complementation group M; plus strand). Cytogenetic location: 14q21.2.
Variant type: single nucleotide variant.
Coding change: c.4784C>G on transcript NM_020937.4 (MANE Select); coding-DNA position 4784, C replaced by G.
Protein change: p.Pro1595Arg; replaces proline 1595 with arginine.
Molecular consequence: missense variant.
Genome position (GRCh38, 1-based): chr14:45,188,806, C>G. VCF-style: chr14-45188806-C-G. GRCh37 (hg19) VCF-style: chr14-45658009-C-G.
Other names: c.4706C>G, p.Pro1569Arg (NM_001308133.2); short protein forms P1569R, P1595R.
Identifiers: ClinVar variation 3848587 (VCV003848587.1).

ClinVar aggregate classification (germline): Uncertain significance (1 of 4 stars; one submission).

Conditions:
Inborn genetic diseases. Identifiers: MedGen C0950123, MeSH D030342.

Submission:

Ambry Genetics
Classification: Uncertain significance for Inborn genetic diseases. Last evaluated: 2025-01-05. Review status: criteria provided, single submitter. Criteria: Ambry Variant Classification Scheme 2023. Collection method: clinical testing. Allele origin: germline.
Comment: The p.P1595R variant (also known as c.4784C>G), located in coding exon 20 of the FANCM gene, results from a C to G substitution at nucleotide position 4784. The proline at codon 1595 is replaced by arginine, an amino acid with dissimilar properties. This amino acid position is conserved. In addition, the in silico prediction for this alteration is inconclusive. Based on the available evidence, the clinical significance of this variant remains unclear.